The following is an entry in ClinVar:

NM_006295.3(VARS1):c.3656G>A (p.Arg1219Gln)

Gene: VARS1 (valyl-tRNA synthetase 1; minus strand). Cytogenetic location: 6p21.33.
Variant type: single nucleotide variant.
Coding change: c.3656G>A on transcript NM_006295.3 (MANE Select); coding-DNA position 3656, G replaced by A.
Protein change: p.Arg1219Gln; replaces arginine 1219 with glutamine.
Molecular consequence: missense variant.
Genome position (GRCh38, 1-based): chr6:31,779,037, C>T on the plus strand (G>A on the coding strand, the complement: VARS1 is on the minus strand). VCF-style: chr6-31779037-C-T. GRCh37 (hg19) VCF-style: chr6-31746814-C-T.
Other names: short protein forms R1219Q.
Identifiers: ClinVar variation 1029031 (VCV001029031.1), dbSNP rs752273148, ClinGen allele CA3722617.

ClinVar aggregate classification (germline): Uncertain significance (1 of 4 stars; one submission).

Conditions:
Neurodevelopmental disorder with microcephaly, seizures, and cortical atrophy. Identifiers: MedGen C4540493, MONDO:0060621, OMIM 617802.

Allele frequency attached by ClinVar (database versions not stated): gnomAD exomes below 0.00001 and 0.00001; ExAC 0.00001; TOPMed 0.00001.
gnomAD v4.1: 18 of 1,612,786 alleles (0.0011%); highest among the groups gnomAD compares: Middle Eastern, 0.05%; no homozygotes.

Submission:

Baylor Genetics
Classification: Uncertain significance for Neurodevelopmental disorder with microcephaly, seizures, and cortical atrophy. Last evaluated: 2019-05-08. Review status: criteria provided, single submitter. Criteria: ACMG Guidelines, 2015. Collection method: clinical testing. Allele origin: unknown. Affected: yes.
Comment: This variant was determined to be of uncertain significance according to ACMG Guidelines, 2015 [PMID:25741868].